The following is an entry in ClinVar:

NM_001142864.4(PIEZO1):c.4495+4C>A

Gene: PIEZO1 (piezo type mechanosensitive ion channel component 1 (Er blood group); minus strand). Cytogenetic location: 16q24.3.
Variant type: single nucleotide variant.
Coding change: c.4495+4C>A on transcript NM_001142864.4 (MANE Select); 4 bases into the intron after coding-DNA position 4495, C replaced by A.
Molecular consequence: intron variant.
Genome position (GRCh38, 1-based): chr16:88,723,091, G>T on the plus strand (C>A on the coding strand, the complement: PIEZO1 is on the minus strand). VCF-style: chr16-88723091-G-T. GRCh37 (hg19) VCF-style: chr16-88789499-G-T.
Identifiers: ClinVar variation 4685679 (VCV004685679.1).

ClinVar aggregate classification (germline): Uncertain significance (1 of 4 stars; one submission).

gnomAD v4.1: 50 of 1,547,276 alleles (0.0032%); highest among the groups gnomAD compares: Non-Finnish European, 0.0039%; no homozygotes.

Submission:

ARUP Laboratories, Molecular Genetics and Genomics, ARUP Laboratories
Classification: Uncertain significance. Last evaluated: 2025-03-13. Review status: criteria provided, single submitter. Criteria: ARUP Molecular Germline Variant Investigation Process 2024. Collection method: clinical testing. Allele origin: germline.
Comment: The PIEZO1 c.4495+4C>A variant (rs140520334), to our knowledge, is not reported in the medical literature or gene specific databases. This variant is only observed on three alleles in the Genome Aggregation Database (v2.1.1), indicating it is not a common polymorphism. This is an intronic variant and computational analyses (Alamut Visual Plus v.1.12) predict that this variant does not alter splicing. However, since this variant is located within the minimal splice region, the clinical significance of this variant is uncertain at this time.